The following is an entry in ClinVar:

NM_001008537.3(NEXMIF):c.1325A>G (p.Asp442Gly)

Gene: NEXMIF (neurite extension and migration factor; minus strand). Cytogenetic location: Xq13.3.
Variant type: single nucleotide variant.
Coding change: c.1325A>G on transcript NM_001008537.3 (MANE Select); coding-DNA position 1325, A replaced by G.
Protein change: p.Asp442Gly; replaces aspartic acid 442 with glycine.
Molecular consequence: missense variant.
Genome position (GRCh38, 1-based): chrX:74,743,232, T>C on the plus strand (A>G on the coding strand, the complement: NEXMIF is on the minus strand). VCF-style: chrX-74743232-T-C. GRCh37 (hg19) VCF-style: chrX-73963067-T-C.
Other names: short protein forms D442G.
Identifiers: ClinVar variation 1313019 (VCV001313019.3), dbSNP rs2147441052, ClinGen allele CA413670766.

ClinVar aggregate classification (germline): Uncertain significance (1 of 4 stars; one submission).

Submission:

GeneDx
Classification: Uncertain significance. Last evaluated: 2025-05-30. Review status: criteria provided, single submitter. Criteria: GeneDx Variant Classification Process June 2021. Collection method: clinical testing. Allele origin: germline. Affected: yes.
Comment: Not observed at significant frequency in large population cohorts (gnomAD); In silico analysis supports that this missense variant has a deleterious effect on protein structure/function; Has not been previously published as pathogenic or benign to our knowledge